The following is an entry in ClinVar:

ClinVar aggregate classification (germline): Benign/Likely benign. Review status: criteria provided, multiple submitters, no conflicts (2 of 4 stars). 6 submissions from 6 submitters: Benign (1); Likely benign (4). 1 of the submissions does not count toward it. Last evaluated 2026-04-21.

Conditions:
Familial cancer of breast. Also called: BREAST CANCER, FAMILIAL; Hereditary breast cancer; hereditary breast carcinoma. Identifiers: Orphanet 227535, MedGen C0346153, MONDO:0016419, OMIM 114480. Disease mechanism: loss of function.
Ataxia-telangiectasia syndrome (AT). Also called: LOUIS-BAR SYNDROME; Ataxia telangiectasia (A-T); ATAXIA-TELANGIECTASIA, COMPLEMENTATION GROUP A; ATAXIA-TELANGIECTASIA, FRESNO VARIANT; Ataxia-telangiectasia; Ataxia-telangiectasia, complementation group E. Identifiers: Orphanet 100, MedGen C0004135, MONDO:0008840, OMIM 208900.
Hereditary cancer-predisposing syndrome. Also called: Neoplastic Syndromes, Hereditary; Hereditary Cancer Syndrome; Hereditary neoplastic syndrome; Tumor predisposition. Identifiers: Orphanet 140162, MedGen C0027672, MeSH D009386, MONDO:0015356.

Allele frequency attached by ClinVar (database versions not stated): gnomAD exomes below 0.00001.
gnomAD v4.1: 2 of 1,612,974 alleles (0.00012%); highest among the groups gnomAD compares: Non-Finnish European, 0.00017%; no homozygotes.

Submissions (6):

Institute for Biomarker Research, Medical Diagnostic Laboratories, L.L.C.
Classification: Likely benign for Hereditary cancer-predisposing syndrome. Last evaluated: 2026-04-21. Review status: criteria provided, single submitter. Criteria: ACMG Guidelines, 2015. Collection method: clinical testing. Allele origin: germline.
Comment: The synonymous variant NM_000051.4(ATM):c.5475A>G (p.Gln1825=) has been reported to ClinVar as Benign/Likely benign with a status of (2 stars) criteria provided, multiple submitters, no conflicts (Accession: VCV000453581.19). The p.Gln1825= variant is not predicted to disrupt an existing splice site. The p.Gln1825= variant is predicted to introduce a novel splice site by 1 of 4 splice site algorithms. The p.Gln1825= variant results in a substitution of a base that is not predicted conserved by GERP++ and PhyloP. For these reasons, this variant has been classified as Likely Benign.

Labcorp Genetics (formerly Invitae), Labcorp
Classification: Likely benign for Ataxia-telangiectasia syndrome. Last evaluated: 2025-11-28. Review status: criteria provided, single submitter. Criteria: Invitae Variant Classification Sherloc (09022015). Collection method: clinical testing. Allele origin: germline.

Myriad Genetics, Inc.
Classification: Benign for Familial cancer of breast. Last evaluated: 2024-05-23. Review status: criteria provided, single submitter. Criteria: Myriad Autosomal Dominant, Autosomal Recessive and X-Linked Classification Criteria (2023). Collection method: clinical testing. Allele origin: unknown.
Comment: This variant is considered benign. This variant is a silent/synonymous amino acid change and it is not expected to impact splicing.

Ambry Genetics
Classification: Likely benign for Hereditary cancer-predisposing syndrome. Last evaluated: 2023-12-16. Review status: criteria provided, single submitter. Criteria: Ambry Variant Classification Scheme 2023. Collection method: clinical testing. Allele origin: germline.

Color Diagnostics, LLC DBA Color Health
Classification: Likely benign for Hereditary cancer-predisposing syndrome. Last evaluated: 2016-08-08. Review status: criteria provided, single submitter. Criteria: ACMG Guidelines, 2015. Collection method: clinical testing. Allele origin: germline.

Natera, Inc.
Classification: Uncertain significance for Ataxia-telangiectasia. Last evaluated: 2020-10-22. Review status: no assertion criteria provided. Collection method: clinical testing. Allele origin: germline. Not counted in ClinVar's aggregate classification.

NM_000051.4(ATM):c.5475A>G (p.Gln1825=)

Gene: ATM (ATM serine/threonine kinase; plus strand). Cytogenetic location: 11q22.3.
Variant type: single nucleotide variant.
Coding change: c.5475A>G on transcript NM_000051.4 (MANE Select); coding-DNA position 5475, A replaced by G.
Protein change: p.Gln1825=; no amino-acid change (glutamine 1825 retained).
Molecular consequence: synonymous variant.
Genome position (GRCh38, 1-based): chr11:108,303,008, A>G. VCF-style: chr11-108303008-A-G. GRCh37 (hg19) VCF-style: chr11-108173735-A-G.
Other names: c.5475A>G, p.Gln1825= (NM_001351834.2).
Identifiers: ClinVar variation 453581 (VCV000453581.20), dbSNP rs1555106560, ClinGen allele CA476675018.
Genomic context (GRCh38, chr11:108,303,008, plus strand): 5'-GATAAAGACACTGACTTGTGCTTTTTTGGACAGTGGAGGCACAAAATGTGAAATTCTTCA[A>G]TTATTAAAGCCAATGTGTGAAGTAAGAAGATTAATTAGTCTGATATAATTCCTTGTTTAT-3'
Protein context (NP_000042.3, residues 1815-1835): DSGGTKCEIL[Gln1825=]LLKPMCEVKT